The following is an entry in ClinVar:

ClinVar aggregate classification (germline): Likely pathogenic (1 of 4 stars; one submission).

Allele frequency attached by ClinVar (database versions not stated): gnomAD exomes below 0.00001; ExAC 0.00001.
gnomAD v4.1: 4 of 1,606,608 alleles (0.00025%); highest among the groups gnomAD compares: South Asian, 0.0034%; no homozygotes.

Submission:

Labcorp Genetics (formerly Invitae), Labcorp
Classification: Likely pathogenic. Last evaluated: 2023-08-24. Review status: criteria provided, single submitter. Criteria: Invitae Variant Classification Sherloc (09022015). Collection method: clinical testing. Allele origin: germline.
Comment: This sequence change affects a donor splice site in intron 16 of the ASPH gene. It is expected to disrupt RNA splicing. Variants that disrupt the donor or acceptor splice site typically lead to a loss of protein function (PMID: 16199547), and loss-of-function variants in ASPH are known to be pathogenic (PMID: 24768550, 30194805, 30600741, 31012784). This variant is present in population databases (rs770102182, gnomAD 0.003%). This variant has not been reported in the literature in individuals affected with ASPH-related conditions. Algorithms developed to predict the effect of sequence changes on RNA splicing suggest that this variant may disrupt the consensus splice site. In summary, the currently available evidence indicates that the variant is pathogenic, but additional data are needed to prove that conclusively. Therefore, this variant has been classified as Likely Pathogenic.

Literature cited by the submitters: PubMed 16199547; PubMed 24768550; PubMed 30194805; PubMed 30600741; PubMed 31012784.

NM_004318.4(ASPH):c.1149+1G>A

Gene: ASPH (aspartate beta-hydroxylase; minus strand). Cytogenetic location: 8q12.3.
Variant type: single nucleotide variant.
Coding change: c.1149+1G>A on transcript NM_004318.4 (MANE Select); the canonical splice donor site of the intron after coding-DNA position 1149, G replaced by A.
Molecular consequence: splice donor variant.
Genome position (GRCh38, 1-based): chr8:61,576,771, C>T on the plus strand (G>A on the coding strand, the complement: ASPH is on the minus strand). VCF-style: chr8-61576771-C-T. GRCh37 (hg19) VCF-style: chr8-62489330-C-T.
Other names: c.495+1G>A (NM_001413901.1); c.537+1G>A (NM_001413909.1); c.843+1G>A (NM_001413895.1); c.888+1G>A (NM_001413894.1); c.942+1G>A (NM_001413884.1); c.900+1G>A (NM_001413890.1); c.945+1G>A (NM_001413883.1); c.1074+1G>A (NM_001413862.1); and 32 more.
Identifiers: ClinVar variation 2860956 (VCV002860956.3), dbSNP rs770102182, ClinGen allele CA4761831.